The following is an entry in ClinVar:

ClinVar aggregate classification (germline): Uncertain significance (1 of 4 stars; one submission).

Conditions:
Birt-Hogg-Dube syndrome. Also called: Birt Hogg Dubé syndrome. Identifiers: Orphanet 122, MedGen C0346010, MONDO:0800444.

Submission:

Labcorp Genetics (formerly Invitae), Labcorp
Classification: Uncertain significance for Birt-Hogg-Dube syndrome. Last evaluated: 2023-02-21. Review status: criteria provided, single submitter. Criteria: Invitae Variant Classification Sherloc (09022015). Collection method: clinical testing. Allele origin: germline.
Comment: In summary, the available evidence is currently insufficient to determine the role of this variant in disease. Therefore, it has been classified as a Variant of Uncertain Significance. Advanced modeling of protein sequence and biophysical properties (such as structural, functional, and spatial information, amino acid conservation, physicochemical variation, residue mobility, and thermodynamic stability) performed at Invitae indicates that this missense variant is not expected to disrupt FLCN protein function. This variant has not been reported in the literature in individuals affected with FLCN-related conditions. This variant is not present in population databases (gnomAD no frequency). This sequence change replaces glutamine, which is neutral and polar, with proline, which is neutral and non-polar, at codon 408 of the FLCN protein (p.Gln408Pro).

NM_144997.7(FLCN):c.1223A>C (p.Gln408Pro)

Gene: FLCN (folliculin; minus strand). Cytogenetic location: 17p11.2.
Variant type: single nucleotide variant.
Coding change: c.1223A>C on transcript NM_144997.7 (MANE Select); coding-DNA position 1223, A replaced by C.
Protein change: p.Gln408Pro; replaces glutamine 408 with proline.
Molecular consequence: missense variant.
Genome position (GRCh38, 1-based): chr17:17,216,457, T>G on the plus strand (A>C on the coding strand, the complement: FLCN is on the minus strand). VCF-style: chr17-17216457-T-G. GRCh37 (hg19) VCF-style: chr17-17119771-T-G.
Other names: c.1277A>C, p.Gln426Pro (NM_001353229.2); c.1223A>C, p.Gln408Pro (NM_001353230.2, NM_001353231.2); short protein forms Q408P, Q426P.
Identifiers: ClinVar variation 2839343 (VCV002839343.3), dbSNP rs1172104668, ClinGen allele CA398531856.